The following is an entry in ClinVar:

ClinVar aggregate classification (germline): Uncertain significance (1 of 4 stars; one submission).

Conditions:
Epidermodysplasia verruciformis. Identifiers: Orphanet 302, MedGen C0014522, MONDO:0009176.

Submission:

Labcorp Genetics (formerly Invitae), Labcorp
Classification: Uncertain significance for Epidermodysplasia verruciformis. Last evaluated: 2025-04-07. Review status: criteria provided, single submitter. Criteria: Invitae Variant Classification Sherloc (09022015). Collection method: clinical testing. Allele origin: germline.
Comment: This sequence change replaces threonine, which is neutral and polar, with asparagine, which is neutral and polar, at codon 618 of the TMC8 protein (p.Thr618Asn). This variant is not present in population databases (gnomAD no frequency). This variant has not been reported in the literature in individuals affected with TMC8-related conditions. ClinVar contains an entry for this variant (Variation ID: 1014517). Invitae Evidence Modeling of protein sequence and biophysical properties (such as structural, functional, and spatial information, amino acid conservation, physicochemical variation, residue mobility, and thermodynamic stability) indicates that this missense variant is not expected to disrupt TMC8 protein function with a negative predictive value of 80%. In summary, the available evidence is currently insufficient to determine the role of this variant in disease. Therefore, it has been classified as a Variant of Uncertain Significance.

NM_152468.5(TMC8):c.1853C>A (p.Thr618Asn)

Gene: TMC8 (transmembrane channel like 8; plus strand). Cytogenetic location: 17q25.3.
Variant type: single nucleotide variant.
Coding change: c.1853C>A on transcript NM_152468.5 (MANE Select); coding-DNA position 1853, C replaced by A.
Protein change: p.Thr618Asn; replaces threonine 618 with asparagine.
Molecular consequence: missense variant.
Genome position (GRCh38, 1-based): chr17:78,139,191, C>A. VCF-style: chr17-78139191-C-A. GRCh37 (hg19) VCF-style: chr17-76135272-C-A.
Other names: short protein forms T618N.
Identifiers: ClinVar variation 1014517 (VCV001014517.9), dbSNP rs2075312611, ClinGen allele CA401252921.
Genomic context (GRCh38, chr17:78,139,191, plus strand): 5'-CAACTGACCACGAATCCCCTTCCCACCCAAGCCTTGTCCTGACGGTGTGCGTCTCCCAGA[C>A]CCAGGCCAATGCCAGGGCCATCCACAGGCTCCGGAAGCAGCTGGTGTGGGTGAGTGTCCT-3'
Protein context (NP_689681.2, residues 608-628): SLVLTVCVSQ[Thr618Asn]QANARAIHRL